The following is an entry in ClinVar:

NM_001024678.4(LRRC24):c.837T>A (p.Val279=)

Genes: LRRC14 (leucine rich repeat containing 14; plus strand), LRRC24 (leucine rich repeat containing 24; minus strand). Cytogenetic location: 8q24.3.
Variant type: single nucleotide variant.
Coding change: c.837T>A on transcript NM_001024678.4 (MANE Select); coding-DNA position 837, T replaced by A.
Protein change: p.Val279=; no amino-acid change (valine 279 retained).
Molecular consequence: synonymous variant. On other transcripts: 3 prime UTR variant (2).
Genome position (GRCh38, 1-based): chr8:144,523,180, A>T on the plus strand (T>A on the coding strand, the complement: LRRC24 is on the minus strand). VCF-style: chr8-144523180-A-T. GRCh37 (hg19) VCF-style: chr8-145748564-A-T.
Other names: c.*1702A>T (NM_001272036.2, NM_014665.4).
Identifiers: ClinVar variation 2658998 (VCV002658998.24), dbSNP rs762429651, ClinGen allele CA463569514.

ClinVar aggregate classification (germline): Likely benign (1 of 4 stars; one submission).

Submission:

CeGaT Center for Human Genetics Tuebingen
Classification: Likely benign. Last evaluated: 2023-10-01. Review status: criteria provided, single submitter. Criteria: CeGaT Center For Human Genetics Tuebingen Variant Classification Criteria Version 2. Collection method: clinical testing. Allele origin: germline. Affected: yes. Observed: 1 variant allele.
Comment: LRRC24: PM2:Supporting, BP4, BP7